The following is an entry in ClinVar:

ClinVar aggregate classification (germline): Pathogenic (1 of 4 stars; one submission).

Conditions:
Rhizomelic chondrodysplasia punctata (RCDP). Identifiers: Orphanet 177, MedGen C0282529, MONDO:0015776. Disease mechanism: loss of function.

Submission:

Women's Health and Genetics/Laboratory Corporation of America, LabCorp
Classification: Pathogenic for Rhizomelic chondrodysplasia punctata. Last evaluated: 2026-05-12. Review status: criteria provided, single submitter. Criteria: LabCorp Variant Classification Summary - May 2015. Collection method: clinical testing. Allele origin: germline.
Comment: Variant summary: GNPAT c.396_397delAA (p.Gln132HisfsX9) results in a premature termination codon, predicted to cause a truncation of the encoded protein or absence of the protein due to nonsense mediated decay, which are commonly known mechanisms for disease. The variant was absent in 251474 control chromosomes. To our knowledge, no occurrence of c.396_397delAA in individuals affected with GNPAT-related conditions and no experimental evidence demonstrating its impact on protein function have been reported. No submitters have cited clinical-significance assessments for this variant to ClinVar. Based on the evidence outlined above, the variant was classified as pathogenic.

NM_014236.4(GNPAT):c.396_397del (p.Gln132fs)

Gene: GNPAT (glyceronephosphate O-acyltransferase; plus strand). Cytogenetic location: 1q42.2.
Variant type: Deletion.
Coding change: c.396_397del on transcript NM_014236.4 (MANE Select); coding-DNA positions 396 to 397, 2 bases deleted (AA; older notation c.396_397delAA).
Protein change: p.Gln132fs; shifts the reading frame from glutamine 132.
Molecular consequence: frameshift variant.
Genome position (GRCh38, 1-based): chr1:231,260,641-231,260,642, AA deleted; deleting any 2 consecutive bases within chr1:231,260,640-231,260,642 gives the same sequence; the c. name uses the placement nearest the transcript's 3' end. VCF-style (leftmost placement, unchanged base first): chr1-231260639-CAA-C. GRCh37 (hg19) VCF-style: chr1-231396385-CAA-C.
Other names: c.213_214del, p.Gln71fs (NM_001316350.2); c.396_397delAA (NM_014236.4); short protein forms Q132fs, Q71fs.
Identifiers: ClinVar variation 4853257 (VCV004853257.1).